The following is an entry in ClinVar:

NM_001256715.2(DNAAF3):c.1626A>G (p.Ter542Trp)

Gene: DNAAF3 (dynein axonemal assembly factor 3; minus strand). Cytogenetic location: 19q13.42.
Variant type: single nucleotide variant.
Coding change: c.1626A>G on transcript NM_001256715.2 (MANE Select); coding-DNA position 1626, A replaced by G.
Protein change: p.Ter542Trp.
Molecular consequence: stop lost.
Genome position (GRCh38, 1-based): chr19:55,159,062, T>C on the plus strand (A>G on the coding strand, the complement: DNAAF3 is on the minus strand). VCF-style: chr19-55159062-T-C. GRCh37 (hg19) VCF-style: chr19-55670430-T-C.
Other names: *589W; *609W; *542W; *488W; c.1464A>G, p.Ter488Trp (NM_001256716.2); c.1767A>G, p.Ter589Trp (NM_178837.4); c.1827A>G, p.Ter609Trp (NM_001256714.1).
Identifiers: ClinVar variation 454620 (VCV000454620.11), dbSNP rs199882635, ClinGen allele CA9667743.

ClinVar aggregate classification (germline): Uncertain significance. Review status: criteria provided, multiple submitters, no conflicts (2 of 4 stars). 5 submissions from 5 submitters: Uncertain significance (5). Last evaluated 2025-09-04.

Conditions:
DNAAF3-related disorder. Also called: DNAAF3-related condition.
Primary ciliary dyskinesia. Also called: Ciliary dyskinesia. Identifiers: Orphanet 244, MedGen C0008780, MONDO:0016575, HP:0012265.
Primary ciliary dyskinesia 2. Also called: CILIARY DYSKINESIA, PRIMARY, 2, WITH OR WITHOUT SITUS INVERSUS. Identifiers: Orphanet 244, MedGen C1847554, MONDO:0011718, OMIM 606763.

Allele frequency attached by ClinVar (database versions not stated): gnomAD exomes 0.00004 and 0.00014; 1000 Genomes Project 30x 0.00016; ExAC 0.00017; 1000 Genomes Project 0.00020; gnomAD 0.00049 and 0.00055; TOPMed 0.00050; ESP Exome Variant Server 0.00069.
gnomAD v4.1: 135 of 1,578,778 alleles (0.0086%); highest among the groups gnomAD compares: African/African-American, 0.16%; no homozygotes.

Submissions (5):

Ambry Genetics
Classification: Uncertain significance for Primary ciliary dyskinesia. Last evaluated: 2025-09-04. Review status: criteria provided, single submitter. Criteria: Ambry Variant Classification Scheme 2023. Collection method: clinical testing. Allele origin: germline.
Comment: The c.1827A>G variant (also known as p.*609Wext*4), located in coding exon 12 of the DNAAF3 gene, results from an A to G substitution at nucleotide position 1827, which is the last nucleotide of the DNAAF3 gene. This alteration disrupts the stop codon and is predicted to preserve the native sequence while resulting in the elongation of the protein by 4 amino acids. The exact functional effect of the additional amino acids is unknown. Based on data from gnomAD, the frequency for this variant is above the maximum credible frequency for a disease-causing variant in this gene based on internally established thresholds (Karczewski et al. Nature. 2020 May;581(7809):434-443; Whiffin et al. Genet Med. 2017 10;19:1151-1158). Based on the available evidence, the clinical significance of this variant remains unclear.

Labcorp Genetics (formerly Invitae), Labcorp
Classification: Uncertain significance for Primary ciliary dyskinesia. Last evaluated: 2024-07-19. Review status: criteria provided, single submitter. Criteria: Invitae Variant Classification Sherloc (09022015). Collection method: clinical testing. Allele origin: germline.
Comment: This sequence change disrupts the translational stop signal of the DNAAF3 mRNA. It is expected to extend the length of the DNAAF3 protein by 4 additional amino acid residues. This variant is present in population databases (rs199882635, gnomAD 0.1%). This variant has not been reported in the literature in individuals affected with DNAAF3-related conditions. ClinVar contains an entry for this variant (Variation ID: 454620). Experimental studies and prediction algorithms are not available or were not evaluated, and the functional significance of this variant is currently unknown. In summary, the available evidence is currently insufficient to determine the role of this variant in disease. Therefore, it has been classified as a Variant of Uncertain Significance.

GeneDx
Classification: Uncertain significance. Last evaluated: 2024-01-24. Review status: criteria provided, single submitter. Criteria: GeneDx Variant Classification Process June 2021. Collection method: clinical testing. Allele origin: germline. Affected: yes.
Comment: Normal stop codon changed to a Tryptophan codon, leading to the addition of 4 amino acids at the C-terminus; Has not been previously published as pathogenic or benign to our knowledge

PreventionGenetics, part of Exact Sciences
Classification: Uncertain significance for DNAAF3-related condition. Last evaluated: 2023-05-05. Review status: criteria provided, single submitter. Criteria: ACMG Guidelines, 2015. Collection method: clinical testing. Allele origin: germline.
Comment: The DNAAF3 c.1827A>G variant is predicted to result in extension of the open reading frame (p.*609Trpext*4). To our knowledge, this variant has not been reported in the literature. This variant is reported in 0.16% of alleles in individuals of African descent in gnomAD. At this time, the clinical significance of this variant is uncertain due to the absence of conclusive functional and genetic evidence.

Revvity Omics, Revvity
Classification: Uncertain significance for Primary ciliary dyskinesia 2. Last evaluated: 2021-12-31. Review status: criteria provided, single submitter. Criteria: ACMG Guidelines, 2015. Collection method: clinical testing. Allele origin: germline.